The following is an entry in ClinVar:

ClinVar aggregate classification (germline): Uncertain significance (1 of 4 stars; one submission).

Conditions:
Intellectual developmental disorder, autosomal dominant 43. Also called: Intellectual disability, autosomal dominant 43. Identifiers: MedGen C4707429, MONDO:0014858, OMIM 616977.

Submission:

3billion
Classification: Uncertain significance for Intellectual developmental disorder, autosomal dominant 43. Last evaluated: 2024-03-14. Review status: criteria provided, single submitter. Criteria: ACMG Guidelines, 2015. Collection method: clinical testing. Allele origin: germline. Affected: yes.
Comment: The variant is not observed in the gnomAD v2.1.1 dataset. Predicted Consequence/Location: Inframe deletion located in a nonrepeat region: predicted to change the length of the protein and disrupt normal protein function. Therefore, this variant is classified as VUS according to the recommendation of ACMG/AMP guideline.

NM_006734.4(HIVEP2):c.1491_1496del (p.Lys497_Phe498del)

Gene: HIVEP2 (HIVEP zinc finger 2; minus strand). Cytogenetic location: 6q24.2.
Variant type: Deletion.
Coding change: c.1491_1496del on transcript NM_006734.4 (MANE Select); coding-DNA positions 1491 to 1496, 6 bases deleted (GTTCAA; older notation c.1491_1496delGTTCAA).
Protein change: p.Lys497_Phe498del.
Molecular consequence: inframe deletion.
Genome position (GRCh38, 1-based): chr6:142,773,243-142,773,248, TTGAAC deleted on the plus strand (GTTCAA on the coding strand, the reverse complement: HIVEP2 is on the minus strand); deleting any 6 consecutive bases within chr6:142,773,243-142,773,250 gives the same sequence; the c. name uses the placement nearest the transcript's 3' end. VCF-style (leftmost placement, unchanged base first): chr6-142773242-GTTGAAC-G. GRCh37 (hg19) VCF-style: chr6-143094379-GTTGAAC-G.
Identifiers: ClinVar variation 3775982 (VCV003775982.1).